The following is an entry in ClinVar:

ClinVar aggregate classification (germline): Pathogenic. Review status: criteria provided, multiple submitters, no conflicts (2 of 4 stars). 3 submissions from 3 submitters: Pathogenic (2). 1 of the submissions does not count toward it. Last evaluated 2026-01-05.

Conditions:
ABHD5-related disorder. Also called: ABHD5-related condition.
Triglyceride storage disease with ichthyosis (CDS). Also called: TRIGLYCERIDE STORAGE DISEASE WITH IMPAIRED LONG-CHAIN FATTY ACID OXIDATION; Dorfman-Chanarin disease; Chanarin-Dorfman Syndrome; ICHTHYOSIFORM ERYTHRODERMA WITH LEUKOCYTE VACUOLATION. Identifiers: Orphanet 98907, MedGen C0268238, MONDO:0010155, OMIM 275630.

Allele frequency attached by ClinVar (database versions not stated): gnomAD 0.00001; ExAC 0.00002; TOPMed 0.00004; ESP Exome Variant Server 0.00008.

Submissions (3):

Labcorp Genetics (formerly Invitae), Labcorp
Classification: Pathogenic. Last evaluated: 2026-01-05. Review status: criteria provided, single submitter. Criteria: Invitae Variant Classification Sherloc (09022015). Collection method: clinical testing. Allele origin: germline.
Comment: This sequence change affects an acceptor splice site in intron 3 of the ABHD5 gene. It is expected to disrupt RNA splicing. Variants that disrupt the donor or acceptor splice site typically lead to a loss of protein function (PMID: 16199547), and loss-of-function variants in ABHD5 are known to be pathogenic (PMID: 11590543). This variant is present in population databases (rs367740710, gnomAD 0.002%). Disruption of this splice site has been observed in individuals with Chanarin-Dorfman syndrome (PMID: 18339307, 18682927). ClinVar contains an entry for this variant (Variation ID: 2734489). Algorithms developed to predict the effect of sequence changes on RNA splicing suggest that this variant may disrupt the consensus splice site. For these reasons, this variant has been classified as Pathogenic.

Blueprint Genetics
Classification: Pathogenic for ABHD5-related disorders. Last evaluated: 2023-10-26. Review status: criteria provided, single submitter. Criteria: ACMG Guidelines, 2015. Collection method: clinical testing. Allele origin: germline. Affected: yes. Observed: 1 variant allele.

OMIM
Classification: Pathogenic for CHANARIN-DORFMAN SYNDROME. Last evaluated: 2024-05-16. Review status: no assertion criteria provided. Collection method: literature only. Allele origin: germline. Not counted in ClinVar's aggregate classification.

Literature cited by the submitters: PubMed 16199547 (cited by Labcorp Genetics (formerly Invitae), Labcorp); PubMed 11590543 (cited by Labcorp Genetics (formerly Invitae), Labcorp); PubMed 18339307 (cited by Labcorp Genetics (formerly Invitae), Labcorp and OMIM); PubMed 18682927 (cited by Labcorp Genetics (formerly Invitae), Labcorp); PubMed 3354610 (cited by OMIM).

NM_016006.6(ABHD5):c.507-1G>A

Gene: ABHD5 (abhydrolase domain containing 5, lysophosphatidic acid acyltransferase; plus strand). Cytogenetic location: 3p21.33.
Variant type: single nucleotide variant.
Coding change: c.507-1G>A on transcript NM_016006.6 (MANE Select); the canonical splice acceptor site of the intron before coding-DNA position 507, G replaced by A.
Molecular consequence: splice acceptor variant.
Genome position (GRCh38, 1-based): chr3:43,711,708, G>A. VCF-style: chr3-43711708-G-A. GRCh37 (hg19) VCF-style: chr3-43753200-G-A.
Other names: c.507-1G>A (NM_001365650.1, NM_001355186.2); c.384-1G>A (NM_001365649.1).
Identifiers: ClinVar variation 2734489 (VCV002734489.4), dbSNP rs367740710, ClinGen allele CA2341366.
Genomic context (GRCh38, chr3:43,711,708, plus strand): 5'-CTCTTTATAGTCTTAGGGTGATTTTACCAAATGAACTTAAATATATTCTTTCCCCCAACA[G>A]GGTTAATCATCTCATTTTAGTGGAGCCTTGGGGTTTCCCTGAACGACCAGACCTTGCTGA-3'